The following is an entry in ClinVar:

NM_000124.4(ERCC6):c.*2237C>T

Gene: ERCC6 (ERCC excision repair 6, chromatin remodeling factor; minus strand). Cytogenetic location: 10q11.23.
Variant type: single nucleotide variant.
Coding change: c.*2237C>T on transcript NM_000124.4 (MANE Select); 2237 bases downstream of the stop codon, C replaced by T.
Molecular consequence: 3 prime UTR variant.
Genome position (GRCh38, 1-based): chr10:49,456,578, G>A on the plus strand (C>T on the coding strand, the complement: ERCC6 is on the minus strand). VCF-style: chr10-49456578-G-A. GRCh37 (hg19) VCF-style: chr10-50664624-G-A.
Other names: c.*2237C>T (NM_001346440.2).
Identifiers: ClinVar variation 300001 (VCV000300001.5), dbSNP rs192242583, ClinGen allele CA10635388.

ClinVar aggregate classification (germline): Conflicting classifications of pathogenicity. Review status: criteria provided, conflicting classifications (1 of 4 stars). 3 submissions from 1 submitter: Uncertain significance (2); Likely benign (1). Last evaluated 2018-01-13.

Conditions:
Cerebrooculofacioskeletal syndrome 1 (COFS1). Also called: Cerebro-oculo-facio-skeletal syndrome 1. Identifiers: MedGen C0220722, MONDO:0008955, OMIM 214150.
Age related macular degeneration 5. Identifiers: MedGen C3151063, MONDO:0013409, OMIM 613761.
Cockayne syndrome type 2 (CSB). Also called: Cockayne Syndrome, Type II; COCKAYNE SYNDROME B. Identifiers: Orphanet 191, Orphanet 90322, MedGen C0751038, MONDO:0019570, OMIM 133540.

Allele frequency attached by ClinVar (database versions not stated): gnomAD 0.00023 and 0.00029; TOPMed 0.00039; 1000 Genomes Project 0.00140; 1000 Genomes Project 30x 0.00156.

Submissions (3):

Illumina Laboratory Services, Illumina
Classification: Uncertain significance for Cockayne syndrome type 2. Last evaluated: 2018-01-13. Review status: criteria provided, single submitter. Criteria: ICSL Variant Classification Criteria 13 December 2019. Collection method: clinical testing. Allele origin: germline.

Illumina Laboratory Services, Illumina
Classification: Likely benign for Age related macular degeneration 5. Last evaluated: 2018-01-13. Review status: criteria provided, single submitter. Criteria: ICSL Variant Classification Criteria 13 December 2019. Collection method: clinical testing. Allele origin: germline.
Comment: This variant was observed in the ICSL laboratory as part of a predisposition screen in an ostensibly healthy population. It had not been previously curated by ICSL or reported in the Human Gene Mutation Database (HGMD: prior to June 1st, 2018), and was therefore a candidate for classification through an automated scoring system. Utilizing variant allele frequency, disease prevalence and penetrance estimates, and inheritance mode, an automated score was calculated to assess if this variant is too frequent to cause the disease. Based on the score and internal cut-off values, a variant classified as likely benign is not then subjected to further curation. The score for this variant resulted in a classification of likely benign for this disease.

Illumina Laboratory Services, Illumina
Classification: Uncertain significance for Cerebrooculofacioskeletal syndrome 1. Last evaluated: 2018-01-13. Review status: criteria provided, single submitter. Criteria: ICSL Variant Classification Criteria 13 December 2019. Collection method: clinical testing. Allele origin: germline.